The following is an entry in ClinVar:

ClinVar aggregate classification (germline): Likely pathogenic (1 of 4 stars; one submission).

Conditions:
Citrullinemia. Identifiers: Orphanet 187, MedGen C0175683, MONDO:0015991.

Submission:

Labcorp Genetics (formerly Invitae), Labcorp
Classification: Likely pathogenic for Citrullinemia. Last evaluated: 2020-09-09. Review status: criteria provided, single submitter. Criteria: Invitae Variant Classification Sherloc (09022015). Collection method: clinical testing. Allele origin: germline.
Comment: Donor and acceptor splice site variants typically lead to a loss of protein function (PMID: 16199547), and loss-of-function variants in ASS1 are known to be pathogenic (PMID: 18473344, 19006241). In summary, the currently available evidence indicates that the variant is pathogenic, but additional data are needed to prove that conclusively. Therefore, this variant has been classified as Likely Pathogenic. Algorithms developed to predict the effect of sequence changes on RNA splicing suggest that this variant may disrupt the consensus splice site, but this prediction has not been confirmed by published transcriptional studies. This variant has not been reported in the literature in individuals with ASS1-related conditions. This variant is not present in population databases (ExAC no frequency). This sequence change affects a donor splice site in intron 7 of the ASS1 gene. It is expected to disrupt RNA splicing and likely results in an absent or disrupted protein product.

Literature cited by the submitters: PubMed 16199547; PubMed 18473344; PubMed 19006241.

NM_054012.4(ASS1):c.495+2T>C

Gene: ASS1 (argininosuccinate synthase 1; plus strand). Cytogenetic location: 9q34.11.
Variant type: single nucleotide variant.
Coding change: c.495+2T>C on transcript NM_054012.4 (MANE Select); the canonical splice donor site of the intron after coding-DNA position 495, T replaced by C.
Molecular consequence: splice donor variant.
Genome position (GRCh38, 1-based): chr9:130,466,801, T>C. VCF-style: chr9-130466801-T-C. GRCh37 (hg19) VCF-style: chr9-133342188-T-C.
Other names: c.495+2T>C (NM_000050.4).
Identifiers: ClinVar variation 1067867 (VCV001067867.7), dbSNP rs2131882609, ClinGen allele CA375226535.